The following is an entry in ClinVar:

NM_001371928.1(AHDC1):c.2957C>A (p.Pro986His)

Gene: AHDC1 (AT-hook DNA binding motif containing 1; minus strand). Cytogenetic location: 1p36.11.
Variant type: single nucleotide variant.
Coding change: c.2957C>A on transcript NM_001371928.1 (MANE Select); coding-DNA position 2957, C replaced by A.
Protein change: p.Pro986His; replaces proline 986 with histidine.
Molecular consequence: missense variant.
Genome position (GRCh38, 1-based): chr1:27,549,159, G>T on the plus strand (C>A on the coding strand, the complement: AHDC1 is on the minus strand). VCF-style: chr1-27549159-G-T. GRCh37 (hg19) VCF-style: chr1-27875670-G-T.
Other names: c.2957C>A, p.Pro986His (NM_001029882.3); short protein forms P986H.
Identifiers: ClinVar variation 1302385 (VCV001302385.2), dbSNP rs774093338, ClinGen allele CA339228915.

ClinVar aggregate classification (germline): Uncertain significance (1 of 4 stars; one submission).

Submission:

GeneDx
Classification: Uncertain significance. Last evaluated: 2019-05-09. Review status: criteria provided, single submitter. Criteria: GeneDx Variant Classification Process June 2021. Collection method: clinical testing. Allele origin: germline. Affected: yes.
Comment: Not observed in large population cohorts (Lek et al., 2016); In silico analysis, which includes protein predictors and evolutionary conservation, supports that this variant does not alter protein structure/function; Has not been previously published as pathogenic or benign to our knowledge